The following is an entry in ClinVar:

ClinVar aggregate classification (germline): Uncertain significance (1 of 4 stars; one submission).

Conditions:
Werner syndrome (WRN). Identifiers: Orphanet 902, MedGen C0043119, MONDO:0010196, OMIM 277700.

Submission:

Labcorp Genetics (formerly Invitae), Labcorp
Classification: Uncertain significance for Werner syndrome. Last evaluated: 2023-04-17. Review status: criteria provided, single submitter. Criteria: Invitae Variant Classification Sherloc (09022015). Collection method: clinical testing. Allele origin: germline.
Comment: ClinVar contains an entry for this variant (Variation ID: 1044237). This variant has not been reported in the literature in individuals affected with WRN-related conditions. This variant is not present in population databases (gnomAD no frequency). This sequence change replaces valine, which is neutral and non-polar, with alanine, which is neutral and non-polar, at codon 586 of the WRN protein (p.Val586Ala). An algorithm developed to predict the effect of missense changes on protein structure and function (PolyPhen-2) suggests that this variant is likely to be disruptive. In summary, the available evidence is currently insufficient to determine the role of this variant in disease. Therefore, it has been classified as a Variant of Uncertain Significance.

NM_000553.6(WRN):c.1757T>C (p.Val586Ala)

Gene: WRN (WRN RecQ like helicase; plus strand). Cytogenetic location: 8p12.
Variant type: single nucleotide variant.
Coding change: c.1757T>C on transcript NM_000553.6 (MANE Select); coding-DNA position 1757, T replaced by C.
Protein change: p.Val586Ala; replaces valine 586 with alanine.
Molecular consequence: missense variant.
Genome position (GRCh38, 1-based): chr8:31,090,870, T>C. VCF-style: chr8-31090870-T-C. GRCh37 (hg19) VCF-style: chr8-30948386-T-C.
Other names: short protein forms V586A.
Identifiers: ClinVar variation 1044237 (VCV001044237.3), dbSNP rs1813720911, ClinGen allele CA370927689.
Genomic context (GRCh38, chr8:31,090,870, plus strand): 5'-TTTTTATATTTTTTTCATTTCAAGGATATGGAAAGAGTTTGTGCTTCCAGTATCCACCTG[T>C]TTATGTAGGCAAGATTGGCCTTGTTATCTCTCCCCTTATTTCTCTGATGGAAGACCAAGT-3'
Protein context (NP_000544.2, residues 576-596): GKSLCFQYPP[Val586Ala]YVGKIGLVIS